The following is an entry in ClinVar:

ClinVar aggregate classification (germline): Uncertain significance (1 of 4 stars; one submission).

Submission:

GeneDx
Classification: Uncertain significance. Last evaluated: 2025-04-29. Review status: criteria provided, single submitter. Criteria: GeneDx Variant Classification Process June 2021. Collection method: clinical testing. Allele origin: germline. Affected: yes.
Comment: Frameshift variant predicted to result in abnormal protein length as the last 62 amino acid(s) are replaced with 26 different amino acid(s), and other similar variants have been reported in HGMD; Has not been previously published as pathogenic or benign to our knowledge

NM_021971.4(GMPPB):c.951+14CTGGG[3]

Gene: GMPPB (GDP-mannose pyrophosphorylase B; minus strand). Cytogenetic location: 3p21.31.
Variant type: Microsatellite.
Coding change: c.951+14CTGGG[3] on transcript NM_021971.4 (MANE Select); three copies in a row of the 5-base unit CTGGG starting at c.951+14; the reference has two copies in a row; one copy, 5 bases duplicated.
Molecular consequence: intron variant. On other transcripts: frameshift variant (1).
Genome position (GRCh38, 1-based): chr3:49,721,942-49,721,946, CCCAG duplicated on the plus strand (CTGGG on the coding strand, the reverse complement: GMPPB is on the minus strand); duplicating any 5 consecutive bases within chr3:49,721,942-49,721,955 gives the same sequence; the position shown is the placement nearest the transcript's 3' end. VCF-style (leftmost placement, unchanged base first): chr3-49721941-A-ACCCAG. GRCh37 (hg19) VCF-style: chr3-49759374-A-ACCCAG.
Other names: c.970_974dup, p.Gly326fs (NM_013334.4); short protein forms G326fs.
Identifiers: ClinVar variation 4527903 (VCV004527903.1), dbSNP rs761324186.